The following is an entry in ClinVar:

ClinVar aggregate classification (germline): Uncertain significance. Review status: criteria provided, multiple submitters, no conflicts (2 of 4 stars). 3 submissions from 3 submitters: Uncertain significance (3). Last evaluated 2025-07-30.

Conditions:
Hereditary cancer-predisposing syndrome. Also called: Hereditary Cancer Syndrome; Hereditary neoplastic syndrome; Neoplastic Syndromes, Hereditary; Tumor predisposition. Identifiers: Orphanet 140162, MedGen C0027672, MeSH D009386, MONDO:0015356.

Allele frequency attached by ClinVar (database versions not stated): gnomAD exomes below 0.00001; ExAC 0.00001.
gnomAD v4.1: 1 of 1,604,426 alleles (0.000062%); highest among the groups gnomAD compares: Non-Finnish European, 0.000085%; no homozygotes.

Submissions (3):

Labcorp Genetics (formerly Invitae), Labcorp
Classification: Uncertain significance for Hereditary cancer-predisposing syndrome. Last evaluated: 2025-07-30. Review status: criteria provided, single submitter. Criteria: Invitae Variant Classification Sherloc (09022015). Collection method: clinical testing. Allele origin: germline.
Comment: This sequence change replaces glutamic acid, which is acidic and polar, with aspartic acid, which is acidic and polar, at codon 605 of the RAD50 protein (p.Glu605Asp). This variant is present in population databases (rs769987307, gnomAD 0.0009%). This variant has not been reported in the literature in individuals affected with RAD50-related conditions. ClinVar contains an entry for this variant (Variation ID: 408377). Invitae Evidence Modeling of protein sequence and biophysical properties (such as structural, functional, and spatial information, amino acid conservation, physicochemical variation, residue mobility, and thermodynamic stability) indicates that this missense variant is not expected to disrupt RAD50 protein function with a negative predictive value of 80%. In summary, the available evidence is currently insufficient to determine the role of this variant in disease. Therefore, it has been classified as a Variant of Uncertain Significance.

Ambry Genetics
Classification: Uncertain significance for Hereditary cancer-predisposing syndrome. Last evaluated: 2025-07-21. Review status: criteria provided, single submitter. Criteria: Ambry Variant Classification Scheme 2023. Collection method: clinical testing. Allele origin: germline.

Quest Diagnostics Nichols Institute San Juan Capistrano
Classification: Uncertain significance. Last evaluated: 2023-08-03. Review status: criteria provided, single submitter. Criteria: Quest Diagnostics criteria. Collection method: clinical testing. Allele origin: unknown.
Comment: This variant has not been reported in the published literature. The frequency of this variant in the general population, 0.000004 (1/250312 chromosomes (Genome Aggregation Database)), is uninformative in the assessment of its pathogenicity. Analysis of this variant using bioinformatics tools for the prediction of the effect of amino acid changes on protein structure and function yielded conflicting predictions that this variant is benign or damaging. Based on the available information, we are unable to determine the clinical significance of this variant.

NM_005732.4(RAD50):c.1815G>C (p.Glu605Asp)

Gene: RAD50 (RAD50 double strand break repair protein; plus strand). Cytogenetic location: 5q31.1.
Variant type: single nucleotide variant.
Coding change: c.1815G>C on transcript NM_005732.4 (MANE Select); coding-DNA position 1815, G replaced by C.
Protein change: p.Glu605Asp; replaces glutamic acid 605 with aspartic acid.
Molecular consequence: missense variant.
Genome position (GRCh38, 1-based): chr5:132,594,890, G>C. VCF-style: chr5-132594890-G-C. GRCh37 (hg19) VCF-style: chr5-131930582-G-C.
Other names: short protein forms E605D.
Identifiers: ClinVar variation 408377 (VCV000408377.14), dbSNP rs769987307, ClinGen allele CA3405280.